The following is an entry in ClinVar:

ClinVar aggregate classification (germline): Uncertain significance (1 of 4 stars; one submission).

Conditions:
Succinyl-CoA acetoacetate transferase deficiency (SCOTD). Also called: 3-Oxoacid CoA Transferase Deficiency; SCOT DEFICIENCY; SUCCINYL-CoA:3-KETOACID CoA-TRANSFERASE DEFICIENCY; KETOACIDOSIS DUE TO SCOT DEFICIENCY; Succinyl CoA:3-oxoacid CoA transferase deficiency. Identifiers: Orphanet 832, MedGen C0342792, MONDO:0009492, OMIM 245050.

Submission:

Labcorp Genetics (formerly Invitae), Labcorp
Classification: Uncertain significance for Succinyl-CoA acetoacetate transferase deficiency. Last evaluated: 2021-02-08. Review status: criteria provided, single submitter. Criteria: Invitae Variant Classification Sherloc (09022015). Collection method: clinical testing. Allele origin: germline.
Comment: In summary, the available evidence is currently insufficient to determine the role of this variant in disease. Therefore, it has been classified as a Variant of Uncertain Significance. Experimental studies and prediction algorithms are not available or were not evaluated, and the functional significance of this variant is currently unknown. This variant has been observed in individual(s) with clinical features of Succinyl CoA:3-oxoacid CoA transferase deficiency (Invitae). ClinVar contains an entry for this variant (Variation ID: 960470). The frequency data for this variant in the population databases is not available, as this variant may be reported as separate entries in the ExAC database. This sequence change replaces leucine with phenylalanine at codon 311 of the OXCT1 protein (p.Leu311Phe). The leucine residue is moderately conserved and there is a small physicochemical difference between leucine and phenylalanine.

NM_000436.4(OXCT1):c.930_931delinsCT (p.Leu311Phe)

Gene: OXCT1 (3-oxoacid CoA-transferase 1; minus strand). Cytogenetic location: 5p13.1.
Variant type: Indel.
Coding change: c.930_931delinsCT on transcript NM_000436.4 (MANE Select); coding-DNA positions 930 to 931, TC replaced by CT.
Protein change: p.Leu311Phe; replaces leucine 311 with phenylalanine.
Molecular consequence: missense variant. On other transcripts: non-coding transcript variant (1).
Genome position (GRCh38, 1-based): chr5:41,805,591-41,805,592, GA replaced by AG on the plus strand (TC replaced by CT on the coding strand, the reverse complement: OXCT1 is on the minus strand). VCF-style: chr5-41805591-GA-AG. GRCh37 (hg19) VCF-style: chr5-41805693-GA-AG.
Other names: c.951_952delinsCT, p.Leu318Phe (NM_001364299.2, NM_001364300.2); c.924_925delinsCT, p.Leu309Phe (NM_001364301.2); c.930_931delinsCT, p.Leu311Phe (NM_001364302.2); c.372_373delinsCT, p.Leu125Phe (NM_001364303.2); short protein forms L311F, L309F, L125F, L318F.
Identifiers: ClinVar variation 960470 (VCV000960470.8), dbSNP rs1746638676, ClinGen allele CA1139658825.